The following is an entry in ClinVar:

ClinVar aggregate classification (germline): Uncertain significance (1 of 4 stars; one submission).

Conditions:
Neuroblastoma, susceptibility to, 3. Also called: ALK-Related Neuroblastic Tumor Susceptibility. Identifiers: Orphanet 635, MedGen C2751681, MONDO:0013083, OMIM 613014.

Allele frequency attached by ClinVar (database versions not stated): gnomAD exomes below 0.00001.
gnomAD v4.1: 2 of 1,573,736 alleles (0.00013%); highest among the groups gnomAD compares: Middle Eastern, 0.018%; no homozygotes.

Submission:

Labcorp Genetics (formerly Invitae), Labcorp
Classification: Uncertain significance for Neuroblastoma, susceptibility to, 3. Last evaluated: 2022-10-25. Review status: criteria provided, single submitter. Criteria: Invitae Variant Classification Sherloc (09022015). Collection method: clinical testing. Allele origin: germline.
Comment: Algorithms developed to predict the effect of missense changes on protein structure and function are either unavailable or do not agree on the potential impact of this missense change (SIFT: "Deleterious"; PolyPhen-2: "Benign"; Align-GVGD: "Class C0"). In summary, the available evidence is currently insufficient to determine the role of this variant in disease. Therefore, it has been classified as a Variant of Uncertain Significance. This variant has not been reported in the literature in individuals affected with ALK-related conditions. This variant is not present in population databases (gnomAD no frequency). This sequence change replaces glycine, which is neutral and non-polar, with glutamic acid, which is acidic and polar, at codon 24 of the ALK protein (p.Gly24Glu).

NM_004304.5(ALK):c.71G>A (p.Gly24Glu)

Gene: ALK (ALK receptor tyrosine kinase; minus strand). Cytogenetic location: 2p23.1.
Variant type: single nucleotide variant.
Coding change: c.71G>A on transcript NM_004304.5 (MANE Select); coding-DNA position 71, G replaced by A.
Protein change: p.Gly24Glu; replaces glycine 24 with glutamic acid.
Molecular consequence: missense variant.
Genome position (GRCh38, 1-based): chr2:29,920,589, C>T on the plus strand (G>A on the coding strand, the complement: ALK is on the minus strand). VCF-style: chr2-29920589-C-T. GRCh37 (hg19) VCF-style: chr2-30143455-C-T.
Other names: short protein forms G24E.
Identifiers: ClinVar variation 1722130 (VCV001722130.5), dbSNP rs2148443981, ClinGen allele CA346590745.